The following is an entry in ClinVar:

NM_001040108.2(MLH3):c.1835T>C (p.Val612Ala)

Gene: MLH3 (mutL homolog 3; minus strand). Cytogenetic location: 14q24.3.
Variant type: single nucleotide variant.
Coding change: c.1835T>C on transcript NM_001040108.2 (MANE Select); coding-DNA position 1835, T replaced by C.
Protein change: p.Val612Ala; replaces valine 612 with alanine.
Molecular consequence: missense variant.
Genome position (GRCh38, 1-based): chr14:75,047,821, A>G on the plus strand (T>C on the coding strand, the complement: MLH3 is on the minus strand). VCF-style: chr14-75047821-A-G. GRCh37 (hg19) VCF-style: chr14-75514524-A-G.
Other names: c.1835T>C, p.Val612Ala (NM_014381.3); short protein forms V612A.
Identifiers: ClinVar variation 1410911 (VCV001410911.11), dbSNP rs767938226, ClinGen allele CA7275806.

ClinVar aggregate classification (germline): Uncertain significance. Review status: criteria provided, multiple submitters, no conflicts (2 of 4 stars). 2 submissions from 2 submitters: Uncertain significance (2). Last evaluated 2025-07-23.

Conditions:
Colorectal cancer, hereditary nonpolyposis, type 7. Identifiers: Orphanet 144, MedGen C1858380, MONDO:0013725, OMIM 614385.

Allele frequency attached by ClinVar (database versions not stated): ExAC 0.00001; gnomAD exomes 0.00001 and 0.00002; TOPMed 0.00001.
gnomAD v4.1: 5 of 1,613,940 alleles (0.00031%); highest among the groups gnomAD compares: Admixed American, 0.0083%; no homozygotes.

Submissions (2):

Labcorp Genetics (formerly Invitae), Labcorp
Classification: Uncertain significance for Colorectal cancer, hereditary nonpolyposis, type 7. Last evaluated: 2025-07-23. Review status: criteria provided, single submitter. Criteria: Invitae Variant Classification Sherloc (09022015). Collection method: clinical testing. Allele origin: germline.
Comment: This sequence change replaces valine, which is neutral and non-polar, with alanine, which is neutral and non-polar, at codon 612 of the MLH3 protein (p.Val612Ala). This variant is present in population databases (rs767938226, gnomAD 0.01%). This variant has not been reported in the literature in individuals affected with MLH3-related conditions. ClinVar contains an entry for this variant (Variation ID: 1410911). An algorithm developed to predict the effect of missense changes on protein structure and function (PolyPhen-2) suggests that this variant is likely to be tolerated. In summary, the available evidence is currently insufficient to determine the role of this variant in disease. Therefore, it has been classified as a Variant of Uncertain Significance.

Ambry Genetics
Classification: Uncertain significance. Last evaluated: 2024-06-10. Review status: criteria provided, single submitter. Criteria: Ambry Variant Classification Scheme 2023. Collection method: clinical testing. Allele origin: germline.
Comment: The p.V612A variant (also known as c.1835T>C), located in coding exon 1 of the MLH3 gene, results from a T to C substitution at nucleotide position 1835. The valine at codon 612 is replaced by alanine, an amino acid with similar properties. This amino acid position is conserved. In addition, this alteration is predicted to be tolerated by in silico analysis. Since supporting evidence is limited at this time, the clinical significance of this alteration remains unclear.